The following is an entry in ClinVar:

ClinVar aggregate classification (germline): Uncertain significance (1 of 4 stars; one submission).

Conditions:
Familial hemophagocytic lymphohistiocytosis 5. Also called: STXBP2-Related Familial Hemophagocytic Lymphohistiocytosis (STXBP2-fHLH). Identifiers: Orphanet 540, MedGen C2751293, MONDO:0013135, OMIM 613101.

Allele frequency attached by ClinVar (database versions not stated): TOPMed below 0.00001.

Submission:

Labcorp Genetics (formerly Invitae), Labcorp
Classification: Uncertain significance for Familial hemophagocytic lymphohistiocytosis 5. Last evaluated: 2023-03-27. Review status: criteria provided, single submitter. Criteria: Invitae Variant Classification Sherloc (09022015). Collection method: clinical testing. Allele origin: germline.
Comment: In summary, the available evidence is currently insufficient to determine the role of this variant in disease. Therefore, it has been classified as a Variant of Uncertain Significance. Variants that disrupt the consensus splice site are a relatively common cause of aberrant splicing (PMID: 17576681, 9536098). Algorithms developed to predict the effect of sequence changes on RNA splicing suggest that this variant is not likely to affect RNA splicing. ClinVar contains an entry for this variant (Variation ID: 951582). This variant has not been reported in the literature in individuals affected with STXBP2-related conditions. This variant is not present in population databases (gnomAD no frequency). This sequence change falls in intron 9 of the STXBP2 gene. It does not directly change the encoded amino acid sequence of the STXBP2 protein. It affects a nucleotide within the consensus splice site.

Literature cited by the submitters: PubMed 17576681; PubMed 9536098.

NM_006949.4(STXBP2):c.795-3C>T

Gene: STXBP2 (syntaxin binding protein 2; plus strand). Cytogenetic location: 19p13.2.
Variant type: single nucleotide variant.
Coding change: c.795-3C>T on transcript NM_006949.4 (MANE Select); 3 bases into the intron before coding-DNA position 795, C replaced by T.
Molecular consequence: intron variant.
Genome position (GRCh38, 1-based): chr19:7,642,426, C>T. VCF-style: chr19-7642426-C-T. GRCh37 (hg19) VCF-style: chr19-7707312-C-T.
Other names: c.828-3C>T (NM_001272034.2); c.786-3C>T (NM_001127396.3).
Identifiers: ClinVar variation 951582 (VCV000951582.10), dbSNP rs2031927304, ClinGen allele CA1139666208.